The following is an entry in ClinVar:

NM_017534.6(MYH2):c.5183G>A (p.Ser1728Asn)

Genes: MYHAS (myosin heavy chain gene cluster antisense RNA; plus strand), MYH2 (myosin heavy chain 2; minus strand). Cytogenetic location: 17p13.1.
Variant type: single nucleotide variant.
Coding change: c.5183G>A on transcript NM_017534.6 (MANE Select); coding-DNA position 5183, G replaced by A.
Protein change: p.Ser1728Asn; replaces serine 1728 with asparagine.
Molecular consequence: missense variant.
Genome position (GRCh38, 1-based): chr17:10,523,877, C>T on the plus strand (G>A on the coding strand, the complement: MYH2 is on the minus strand). VCF-style: chr17-10523877-C-T. GRCh37 (hg19) VCF-style: chr17-10427194-C-T.
Other names: c.5183G>A, p.Ser1728Asn (NM_001100112.2); short protein forms S1728N.
Identifiers: ClinVar variation 1714553 (VCV001714553.6), dbSNP rs2508410158, ClinGen allele CA398118396.

ClinVar aggregate classification (germline): Uncertain significance (1 of 4 stars; one submission).

Conditions:
Myopathy, proximal, and ophthalmoplegia (CMYO6). Also called: INCLUSION BODY MYOPATHY 3, AUTOSOMAL DOMINANT; MYOPATHY WITH CONGENITAL JOINT CONTRACTURES, OPHTHALMOPLEGIA, AND RIMMED VACUOLES; CONGENITAL MYOPATHY 6 WITH OPHTHALMOPLEGIA. Identifiers: Orphanet 363677, Orphanet 79091, MedGen C1854106, MONDO:0011577, OMIM 605637.

Submission:

Labcorp Genetics (formerly Invitae), Labcorp
Classification: Uncertain significance for Myopathy, proximal, and ophthalmoplegia. Last evaluated: 2022-08-02. Review status: criteria provided, single submitter. Criteria: Invitae Variant Classification Sherloc (09022015). Collection method: clinical testing. Allele origin: germline.
Comment: In summary, the available evidence is currently insufficient to determine the role of this variant in disease. Therefore, it has been classified as a Variant of Uncertain Significance. Algorithms developed to predict the effect of missense changes on protein structure and function are either unavailable or do not agree on the potential impact of this missense change (SIFT: "Deleterious"; PolyPhen-2: "Benign"; Align-GVGD: "Class C45"). This variant has not been reported in the literature in individuals affected with MYH2-related conditions. This variant is not present in population databases (gnomAD no frequency). This sequence change replaces serine, which is neutral and polar, with asparagine, which is neutral and polar, at codon 1728 of the MYH2 protein (p.Ser1728Asn).